The following is an entry in ClinVar:

NM_014236.4(GNPAT):c.1279+181C>T

Gene: GNPAT (glyceronephosphate O-acyltransferase; plus strand). Cytogenetic location: 1q42.2.
Variant type: single nucleotide variant.
Coding change: c.1279+181C>T on transcript NM_014236.4 (MANE Select); 181 bases into the intron after coding-DNA position 1279, C replaced by T.
Molecular consequence: intron variant.
Genome position (GRCh38, 1-based): chr1:231,268,084, C>T. VCF-style: chr1-231268084-C-T. GRCh37 (hg19) VCF-style: chr1-231403830-C-T.
Other names: c.1096+181C>T (NM_001316350.2).
Identifiers: ClinVar variation 671188 (VCV000671188.1), dbSNP rs579924, ClinGen allele CA10705257.

ClinVar aggregate classification (germline): Benign (1 of 4 stars; one submission).

Allele frequency attached by ClinVar (database versions not stated): gnomAD 0.54305 and 0.54672; TOPMed 0.55851; 1000 Genomes Project 30x 0.57464; 1000 Genomes Project 0.57628.
gnomAD v4.1: 83,010 of 151,940 alleles (55%); highest among the groups gnomAD compares: East Asian, 62%; 22,857 homozygotes.

Submission:

GeneDx
Classification: Benign. Last evaluated: 2018-06-14. Review status: criteria provided, single submitter. Criteria: GeneDx Variant Classification (06012015). Collection method: clinical testing. Allele origin: germline. Affected: yes.
Comment: This variant is considered likely benign or benign based on one or more of the following criteria: it is a conservative change, it occurs at a poorly conserved position in the protein, it is predicted to be benign by multiple in silico algorithms, and/or has population frequency not consistent with disease.